The following is an entry in ClinVar:

NM_001134673.4(NFIA):c.977C>T (p.Ser326Leu)

Gene: NFIA (nuclear factor I A; plus strand). Cytogenetic location: 1p31.3.
Variant type: single nucleotide variant.
Coding change: c.977C>T on transcript NM_001134673.4 (MANE Select); coding-DNA position 977, C replaced by T.
Protein change: p.Ser326Leu; replaces serine 326 with leucine.
Molecular consequence: missense variant.
Genome position (GRCh38, 1-based): chr1:61,383,267, C>T. VCF-style: chr1-61383267-C-T. GRCh37 (hg19) VCF-style: chr1-61848939-C-T.
Other names: c.953C>T, p.Ser318Leu (NM_001145511.2); c.1112C>T, p.Ser371Leu (NM_001145512.2); c.977C>T, p.Ser326Leu (NM_005595.5); short protein forms S318L, S326L, S371L.
Identifiers: ClinVar variation 3257236 (VCV003257236.17).
Genomic context (GRCh38, chr1:61,383,267, plus strand): 5'-GTGTACTTACCAGTTGATCCTTCTTGCCAGGAATGCCATCTCCAACCACACTGAAGAAGT[C>T]GGAGAAGTCTGGTTTCAGCAGCCCCTCCCCTTCACAGACCTCCTCCCTGGGAACGGCGTT-3'
Protein context (NP_001128145.1, residues 316-336): GMPSPTTLKK[Ser326Leu]EKSGFSSPSP

ClinVar aggregate classification (germline): Uncertain significance (1 of 4 stars; one submission).

gnomAD v4.1: 6 of 1,614,006 alleles (0.00037%); highest among the groups gnomAD compares: Non-Finnish European, 0.00042%; no homozygotes.

Submission:

CeGaT Center for Human Genetics Tuebingen
Classification: Uncertain significance. Last evaluated: 2024-07-01. Review status: criteria provided, single submitter. Criteria: CeGaT Center For Human Genetics Tuebingen Variant Classification Criteria Version 2. Collection method: clinical testing. Allele origin: germline. Affected: yes. Observed: 1 variant allele.
Comment: NFIA: PM2